The following is an entry in ClinVar:

ClinVar aggregate classification (germline): Likely benign (1 of 4 stars; one submission).

Submission:

CeGaT Center for Human Genetics Tuebingen
Classification: Likely benign. Last evaluated: 2026-06-01. Review status: criteria provided, single submitter. Criteria: CeGaT Center For Human Genetics Tuebingen Variant Classification Criteria Version 2. Collection method: clinical testing. Allele origin: germline. Affected: yes. Observed: 4 variant alleles.
Comment: HCN2: BS1

NM_001194.4(HCN2):c.2404C>T (p.Pro802Ser)

Gene: HCN2 (hyperpolarization activated cyclic nucleotide gated potassium and sodium channel 2; plus strand). Cytogenetic location: 19p13.3.
Variant type: single nucleotide variant.
Coding change: c.2404C>T on transcript NM_001194.4 (MANE Select); coding-DNA position 2404, C replaced by T.
Protein change: p.Pro802Ser; replaces proline 802 with serine.
Molecular consequence: missense variant.
Genome position (GRCh38, 1-based): chr19:616,208, C>T. VCF-style: chr19-616208-C-T. GRCh37 (hg19) VCF-style: chr19-616208-C-T.
Other names: short protein forms P802S.
Identifiers: ClinVar variation 4821528 (VCV004821528.4).
Genomic context (GRCh38, chr19:616,208, plus strand): 5'-GGCGCGCCCGCCAGCCCCCGGGCACCGCGGACCTCGCCCTACGGCGGCCTGCCCGCCGCC[C>T]CCCTTGCTGGGCCCGCCCTGCCCGCGCGCCGCCTGAGCCGCGCGTCGCGCCCACTGTCCG-3'
Protein context (NP_001185.3, residues 792-812): TSPYGGLPAA[Pro802Ser]LAGPALPARR